The following is an entry in ClinVar:

ClinVar aggregate classification (germline): Uncertain significance (1 of 4 stars; one submission).

Conditions:
Hypertrophic cardiomyopathy. Also called: HYPERTROPHIC MYOCARDIOPATHY. Identifiers: Orphanet 217569, MedGen C0007194, MeSH D002312, MONDO:0005045, HP:0001639.

Submission:

Labcorp Genetics (formerly Invitae), Labcorp
Classification: Uncertain significance for Hypertrophic cardiomyopathy. Last evaluated: 2024-06-29. Review status: criteria provided, single submitter. Criteria: Invitae Variant Classification Sherloc (09022015). Collection method: clinical testing. Allele origin: germline.
Comment: This sequence change replaces lysine, which is basic and polar, with arginine, which is basic and polar, at codon 963 of the MYH7 protein (p.Lys963Arg). This variant is not present in population databases (gnomAD no frequency). This variant has not been reported in the literature in individuals affected with MYH7-related conditions. Advanced modeling of protein sequence and biophysical properties (such as structural, functional, and spatial information, amino acid conservation, physicochemical variation, residue mobility, and thermodynamic stability) performed at Invitae indicates that this missense variant is expected to disrupt MYH7 protein function with a positive predictive value of 95%. In summary, the available evidence is currently insufficient to determine the role of this variant in disease. Therefore, it has been classified as a Variant of Uncertain Significance.

NM_000257.4(MYH7):c.2888A>G (p.Lys963Arg)

Gene: MYH7 (myosin heavy chain 7; minus strand). Cytogenetic location: 14q11.2.
Variant type: single nucleotide variant.
Coding change: c.2888A>G on transcript NM_000257.4 (MANE Select); coding-DNA position 2888, A replaced by G.
Protein change: p.Lys963Arg; replaces lysine 963 with arginine.
Molecular consequence: missense variant.
Genome position (GRCh38, 1-based): chr14:23,423,941, T>C on the plus strand (A>G on the coding strand, the complement: MYH7 is on the minus strand). VCF-style: chr14-23423941-T-C. GRCh37 (hg19) VCF-style: chr14-23893150-T-C.
Other names: c.2888A>G, p.Lys963Arg (NM_001407004.1); short protein forms K963R.
Identifiers: ClinVar variation 3712897 (VCV003712897.2).
Genomic context (GRCh38, chr14:23,423,941, plus strand): 5'-CTGGAGCCAAAGGGAGCTGCCCTTACCTTGTTCTCTGTTGCGTGTTTCTCCTTCTCCACT[T>C]TGGCCAGTGTCAGCTCCAGATCATCGATGTCCCTTTTGAGCTCTGAGCACTCATCTTCCA-3'
Protein context (NP_000248.2, residues 953-973): DIDDLELTLA[Lys963Arg]VEKEKHATEN